The following is an entry in ClinVar:

ClinVar aggregate classification (germline): Uncertain significance (1 of 4 stars; one submission).

Conditions:
Microphthalmia with brain and digit anomalies (MCOPS6). Also called: Microphthalmia, syndromic 6; MICROPHTHALMIA AND PITUITARY ANOMALIES. Identifiers: Orphanet 139471, MedGen C1864689, MONDO:0011936, OMIM 607932.
Orofacial cleft 11 (OFC11). Also called: CLEFT LIP WITH OR WITHOUT CLEFT PALATE, NONSYNDROMIC, 11; Orofacial cleft 11; ofc11. Identifiers: MedGen C2677434, MONDO:0010906, OMIM 600625.

Allele frequency attached by ClinVar (database versions not stated): gnomAD exomes below 0.00001; TOPMed below 0.00001.
gnomAD v4.1: 1 of 1,613,896 alleles (0.000062%); highest among the groups gnomAD compares: Admixed American, 0.0017%; no homozygotes.

Submission:

Labcorp Genetics (formerly Invitae), Labcorp
Classification: Uncertain significance for Microphthalmia with brain and digit anomalies; Orofacial cleft 11. Last evaluated: 2025-06-13. Review status: criteria provided, single submitter. Criteria: Invitae Variant Classification Sherloc (09022015). Collection method: clinical testing. Allele origin: germline.
Comment: This sequence change replaces serine, which is neutral and polar, with glycine, which is neutral and non-polar, at codon 74 of the BMP4 protein (p.Ser74Gly). This variant is present in population databases (no rsID available, gnomAD 0.003%). This variant has not been reported in the literature in individuals affected with BMP4-related conditions. ClinVar contains an entry for this variant (Variation ID: 1434076). Invitae Evidence Modeling of protein sequence and biophysical properties (such as structural, functional, and spatial information, amino acid conservation, physicochemical variation, residue mobility, and thermodynamic stability) indicates that this missense variant is not expected to disrupt BMP4 protein function with a negative predictive value of 80%. In summary, the available evidence is currently insufficient to determine the role of this variant in disease. Therefore, it has been classified as a Variant of Uncertain Significance.

NM_001202.6(BMP4):c.220A>G (p.Ser74Gly)

Gene: BMP4 (bone morphogenetic protein 4; minus strand). Cytogenetic location: 14q22.2.
Variant type: single nucleotide variant.
Coding change: c.220A>G on transcript NM_001202.6 (MANE Select); coding-DNA position 220, A replaced by G.
Protein change: p.Ser74Gly; replaces serine 74 with glycine.
Molecular consequence: missense variant.
Genome position (GRCh38, 1-based): chr14:53,952,003, T>C on the plus strand (A>G on the coding strand, the complement: BMP4 is on the minus strand). VCF-style: chr14-53952003-T-C. GRCh37 (hg19) VCF-style: chr14-54418721-T-C.
Other names: c.361A>G, p.Ser121Gly (NM_001347912.1); c.31A>G, p.Ser11Gly (NM_001347913.2, NM_001347915.2, NM_001347917.1); c.220A>G, p.Ser74Gly (NM_001347914.2, NM_001347916.1, NM_130850.5 and 1 more transcripts); short protein forms S11G, S121G, S74G.
Identifiers: ClinVar variation 1434076 (VCV001434076.2), dbSNP rs1006741808, ClinGen allele CA261472784.